The following is an entry in ClinVar:

NM_001543.5(NDST1):c.730C>T (p.Arg244Cys)

Gene: NDST1 (N-deacetylase and N-sulfotransferase 1; plus strand). Cytogenetic location: 5q33.1.
Variant type: single nucleotide variant.
Coding change: c.730C>T on transcript NM_001543.5 (MANE Select); coding-DNA position 730, C replaced by T.
Protein change: p.Arg244Cys; replaces arginine 244 with cysteine.
Molecular consequence: missense variant.
Genome position (GRCh38, 1-based): chr5:150,528,020, C>T. VCF-style: chr5-150528020-C-T. GRCh37 (hg19) VCF-style: chr5-149907582-C-T.
Other names: c.730C>T, p.Arg244Cys (NM_001301063.2); short protein forms R244C.
Identifiers: ClinVar variation 435960 (VCV000435960.9), dbSNP rs375092472, ClinGen allele CA3512473.
Genomic context (GRCh38, chr5:150,528,020, plus strand): 5'-GACTGGACGGTTTTCCAGTCAAATCACTCCACCTATGAGCCAGTGCTGCTGGCCAAGACG[C>T]GCTCGTCTGAGTCCATCCCACACCTGGGCGCAGACGCCGGCCTGCATGCTGCACTGCACG-3'
Protein context (NP_001534.1, residues 234-254): TYEPVLLAKT[Arg244Cys]SSESIPHLGA

ClinVar aggregate classification (germline): Uncertain significance. Review status: criteria provided, multiple submitters, no conflicts (2 of 4 stars). 3 submissions from 3 submitters: Uncertain significance (3). Last evaluated 2023-04-18.

Conditions:
Inborn genetic diseases. Identifiers: MedGen C0950123, MeSH D030342.
Intellectual developmental disorder, autosomal recessive 46. Also called: Intellectual disability, autosomal recessive 46. Identifiers: Orphanet 88616, MedGen C4015283, MONDO:0014499, OMIM 616116.

Allele frequency attached by ClinVar (database versions not stated): gnomAD exomes 0.00003 and 0.00006; gnomAD 0.00004 and 0.00003; TOPMed 0.00004; ExAC 0.00005; ESP Exome Variant Server 0.00008.
gnomAD v4.1: 55 of 1,613,568 alleles (0.0034%); highest among the groups gnomAD compares: Admixed American, 0.017%; no homozygotes.

Submissions (3):

Ambry Genetics
Classification: Uncertain significance for Inborn genetic diseases. Last evaluated: 2023-04-18. Review status: criteria provided, single submitter. Criteria: Ambry Variant Classification Scheme 2023. Collection method: clinical testing. Allele origin: germline.

Baylor Genetics
Classification: Uncertain significance for Intellectual developmental disorder, autosomal recessive 46. Last evaluated: 2018-09-10. Review status: criteria provided, single submitter. Criteria: ACMG Guidelines, 2015. Collection method: clinical testing. Allele origin: unknown. Affected: yes.
Comment: This variant was determined to be of uncertain significance according to ACMG Guidelines, 2015 [PMID:25741868].

Genetic Services Laboratory, University of Chicago
Classification: Uncertain significance. Last evaluated: 2015-10-22. Review status: criteria provided, single submitter. Criteria: ACMG Guidelines, 2015. Collection method: clinical testing. Allele origin: germline. Affected: no.